The following is an entry in ClinVar:

NM_005529.7(HSPG2):c.10721-3C>T

Gene: HSPG2 (heparan sulfate proteoglycan 2; minus strand). Cytogenetic location: 1p36.12.
Variant type: single nucleotide variant.
Coding change: c.10721-3C>T on transcript NM_005529.7 (MANE Select); 3 bases into the intron before coding-DNA position 10721, C replaced by T.
Molecular consequence: intron variant.
Genome position (GRCh38, 1-based): chr1:21,833,928, G>A on the plus strand (C>T on the coding strand, the complement: HSPG2 is on the minus strand). VCF-style: chr1-21833928-G-A. GRCh37 (hg19) VCF-style: chr1-22160421-G-A.
Other names: c.10724-3C>T (NM_001291860.2).
Identifiers: ClinVar variation 1466591 (VCV001466591.6), dbSNP rs1404224285, ClinGen allele CA521589113.

ClinVar aggregate classification (germline): Uncertain significance (1 of 4 stars; one submission).

Allele frequency attached by ClinVar (database versions not stated): gnomAD exomes below 0.00001 and 0.00001; gnomAD 0.00001; TOPMed 0.00001.
gnomAD v4.1: 5 of 1,568,846 alleles (0.00032%); highest among the groups gnomAD compares: Non-Finnish European, 0.00043%; no homozygotes.

Submission:

Labcorp Genetics (formerly Invitae), Labcorp
Classification: Uncertain significance. Last evaluated: 2022-07-26. Review status: criteria provided, single submitter. Criteria: Invitae Variant Classification Sherloc (09022015). Collection method: clinical testing. Allele origin: germline.
Comment: ClinVar contains an entry for this variant (Variation ID: 1466591). This variant has not been reported in the literature in individuals affected with HSPG2-related conditions. The frequency data for this variant in the population databases is considered unreliable, as metrics indicate poor data quality at this position in the gnomAD database. This sequence change falls in intron 77 of the HSPG2 gene. It does not directly change the encoded amino acid sequence of the HSPG2 protein. It affects a nucleotide within the consensus splice site. Variants that disrupt the consensus splice site are a relatively common cause of aberrant splicing (PMID: 17576681, 9536098). Algorithms developed to predict the effect of sequence changes on RNA splicing suggest that this variant is not likely to affect RNA splicing. In summary, the available evidence is currently insufficient to determine the role of this variant in disease. Therefore, it has been classified as a Variant of Uncertain Significance.

Literature cited by the submitters: PubMed 17576681; PubMed 9536098.